The following is an entry in ClinVar:

ClinVar aggregate classification (germline): Uncertain significance (1 of 4 stars; one submission).

gnomAD v4.1: 22 of 1,553,212 alleles (0.0014%); highest among the groups gnomAD compares: Non-Finnish European, 0.0019%; no homozygotes.

Submission:

GeneDx
Classification: Uncertain significance. Last evaluated: 2025-01-15. Review status: criteria provided, single submitter. Criteria: GeneDx Variant Classification Process June 2021. Collection method: clinical testing. Allele origin: germline. Affected: yes.
Comment: Not observed at significant frequency in large population cohorts (gnomAD); In silico analysis indicates that this missense variant does not alter protein structure/function; Has not been previously published as pathogenic or benign to our knowledge

NM_001039141.3(TRIOBP):c.5963A>G (p.Lys1988Arg)

Gene: TRIOBP (TRIO and F-actin binding protein; plus strand). Cytogenetic location: 22q13.1.
Variant type: single nucleotide variant.
Coding change: c.5963A>G on transcript NM_001039141.3 (MANE Select); coding-DNA position 5963, A replaced by G.
Protein change: p.Lys1988Arg; replaces lysine 1988 with arginine.
Molecular consequence: missense variant.
Genome position (GRCh38, 1-based): chr22:37,757,888, A>G. VCF-style: chr22-37757888-A-G. GRCh37 (hg19) VCF-style: chr22-38153895-A-G.
Other names: c.824A>G, p.Lys275Arg (NM_007032.5, NM_138632.2); short protein forms K1988R, K275R.
Identifiers: ClinVar variation 4070719 (VCV004070719.1).